The following is an entry in ClinVar:

ClinVar aggregate classification (germline): Likely pathogenic (1 of 4 stars; one submission).

Conditions:
Short-rib thoracic dysplasia 10 with or without polydactyly (SRTD10). Identifiers: Orphanet 474, MedGen C3810175, MONDO:0014284, OMIM 615630.
Retinitis pigmentosa 71 (RP71). Identifiers: Orphanet 791, MedGen C4225342, MONDO:0014618, OMIM 616394.

Submission:

Labcorp Genetics (formerly Invitae), Labcorp
Classification: Likely pathogenic for Retinitis pigmentosa 71; Short-rib thoracic dysplasia 10 with or without polydactyly. Last evaluated: 2022-11-15. Review status: criteria provided, single submitter. Criteria: Invitae Variant Classification Sherloc (09022015). Collection method: clinical testing. Allele origin: germline.
Comment: This variant is not present in population databases (gnomAD no frequency). This sequence change affects a donor splice site in intron 23 of the IFT172 gene. It is expected to disrupt RNA splicing. Variants that disrupt the donor or acceptor splice site typically lead to a loss of protein function (PMID: 16199547), and loss-of-function variants in IFT172 are known to be pathogenic (PMID: 24140113). In summary, the currently available evidence indicates that the variant is pathogenic, but additional data are needed to prove that conclusively. Therefore, this variant has been classified as Likely Pathogenic. Algorithms developed to predict the effect of sequence changes on RNA splicing suggest that this variant may disrupt the consensus splice site. This variant has not been reported in the literature in individuals affected with IFT172-related conditions.

Literature cited by the submitters: PubMed 16199547; PubMed 24140113.

NM_015662.3(IFT172):c.2521+1G>A

Gene: IFT172 (intraflagellar transport 172; minus strand). Cytogenetic location: 2p23.3.
Variant type: single nucleotide variant.
Coding change: c.2521+1G>A on transcript NM_015662.3 (MANE Select); the canonical splice donor site of the intron after coding-DNA position 2521, G replaced by A.
Molecular consequence: splice donor variant.
Genome position (GRCh38, 1-based): chr2:27,461,014, C>T on the plus strand (G>A on the coding strand, the complement: IFT172 is on the minus strand). VCF-style: chr2-27461014-C-T. GRCh37 (hg19) VCF-style: chr2-27683881-C-T.
Other names: c.2455+1G>A (NM_001410739.1).
Identifiers: ClinVar variation 2093281 (VCV002093281.4), dbSNP rs2148505406, ClinGen allele CA346383428.
Genomic context (GRCh38, chr2:27,461,014, plus strand): 5'-CCAGGGAACCAGATGGGCAAGAGTCCACAACAGTAAAGGATGGCTTATAGGTGGCTAGTA[C>T]CTTTCATGAATGCGTTGCCTTTACGGTAGCACTCCAGGGCCTTCTGTGGATTGTGAATCT-3'